The following is an entry in ClinVar:

NM_001352754.2(ARMC9):c.1334+4del

Gene: ARMC9 (armadillo repeat containing 9; plus strand). Cytogenetic location: 2q37.1.
Variant type: Deletion.
Coding change: c.1334+4del on transcript NM_001352754.2 (MANE Select); 4 bases into the intron after coding-DNA position 1334, one base deleted (A; older notation c.1334+4delA).
Molecular consequence: intron variant.
Genome position (GRCh38, 1-based): chr2:231,273,082, A deleted; the last of 2 consecutive A bases (chr2:231,273,081-231,273,082); deleting either gives the same sequence. VCF-style (leftmost placement, unchanged base first): chr2-231273080-TA-T. GRCh37 (hg19) VCF-style: chr2-232137793-TA-T.
Other names: c.1334+4del (NM_001271466.4, NM_001352755.2, NM_001352756.2 and 3 more transcripts); c.1235+4del (NM_001352757.2, NM_001352758.2).
Identifiers: ClinVar variation 1371529 (VCV001371529.6), dbSNP rs2125437104, ClinGen allele CA2573135506.

ClinVar aggregate classification (germline): Uncertain significance (1 of 4 stars; one submission).

Submission:

Labcorp Genetics (formerly Invitae), Labcorp
Classification: Uncertain significance. Last evaluated: 2022-07-01. Review status: criteria provided, single submitter. Criteria: Invitae Variant Classification Sherloc (09022015). Collection method: clinical testing. Allele origin: germline.
Comment: In summary, the available evidence is currently insufficient to determine the role of this variant in disease. Therefore, it has been classified as a Variant of Uncertain Significance. Variants that disrupt the consensus splice site are a relatively common cause of aberrant splicing (PMID: 17576681, 9536098). Experimental studies and prediction algorithms are not available or were not evaluated, and the effect of this variant on mRNA splicing is currently unknown. ClinVar contains an entry for this variant (Variation ID: 1371529). This variant has not been reported in the literature in individuals affected with ARMC9-related conditions. This variant is not present in population databases (gnomAD no frequency). This sequence change falls in intron 13 of the ARMC9 gene. It does not directly change the encoded amino acid sequence of the ARMC9 protein. It affects a nucleotide within the consensus splice site.

Literature cited by the submitters: PubMed 17576681; PubMed 9536098.